The following is an entry in ClinVar:

NM_002474.3(MYH11):c.595G>T (p.Ala199Ser)

Gene: MYH11 (myosin heavy chain 11; minus strand). Cytogenetic location: 16p13.11.
Variant type: single nucleotide variant.
Coding change: c.595G>T on transcript NM_002474.3 (MANE Select); coding-DNA position 595, G replaced by T.
Protein change: p.Ala199Ser; replaces alanine 199 with serine.
Molecular consequence: missense variant.
Genome position (GRCh38, 1-based): chr16:15,786,668, C>A on the plus strand (G>T on the coding strand, the complement: MYH11 is on the minus strand). VCF-style: chr16-15786668-C-A. GRCh37 (hg19) VCF-style: chr16-15880525-C-A.
Other names: c.595G>T, p.Ala199Ser (NM_001040113.2, NM_001040114.2, NM_022844.3); short protein forms A199S.
Identifiers: ClinVar variation 2773875 (VCV002773875.2), dbSNP rs2506656358, ClinGen allele CA394873652.

ClinVar aggregate classification (germline): Uncertain significance (1 of 4 stars; one submission).

Conditions:
Familial thoracic aortic aneurysm and aortic dissection (TAAD). Also called: Thoracic aortic aneurysms and dissections. Identifiers: Orphanet 91387, MedGen C4707243, MONDO:0019625.

Submission:

Color Diagnostics, LLC DBA Color Health
Classification: Uncertain significance for Familial thoracic aortic aneurysm and aortic dissection. Last evaluated: 2022-11-16. Review status: criteria provided, single submitter. Criteria: ACMG Guidelines, 2015. Collection method: clinical testing. Allele origin: germline.
Comment: This missense variant replaces alanine with serine at codon 199 of the MYH11 protein. Computational prediction is inconclusive regarding the impact of this variant on protein structure and function (internally defined REVEL score threshold 0.5 < inconclusive < 0.7, PMID: 27666373). To our knowledge, functional studies have not been reported for this variant. This variant has not been reported in individuals affected with MYH11-related disorders in the literature. This variant has not been identified in the general population by the Genome Aggregation Database (gnomAD). The available evidence is insufficient to determine the role of this variant in disease conclusively. Therefore, this variant is classified as a Variant of Uncertain Significance.